The following is an entry in ClinVar:

ClinVar aggregate classification (germline): Uncertain significance. Review status: criteria provided, multiple submitters, no conflicts (2 of 4 stars). 5 submissions from 5 submitters: Uncertain significance (5). Last evaluated 2025-12-13.

Conditions:
Cardiovascular phenotype. Identifiers: MedGen CN230736.
Cardiomyopathy (CMYO). Also called: Cardiomyopathies. Identifiers: Orphanet 167848, MedGen C0878544, MONDO:0004994, HP:0001638. Inheritance: Various modes of inheritance.
Hypertrophic cardiomyopathy. Also called: HYPERTROPHIC MYOCARDIOPATHY. Identifiers: Orphanet 217569, MedGen C0007194, MeSH D002312, MONDO:0005045, HP:0001639.

Allele frequency attached by ClinVar (database versions not stated): gnomAD exomes 0.00001; ExAC 0.00002.
gnomAD v4.1: 17 of 1,608,986 alleles (0.0011%); highest among the groups gnomAD compares: East Asian, 0.0067%; no homozygotes.

Submissions (5):

Labcorp Genetics (formerly Invitae), Labcorp
Classification: Uncertain significance for Hypertrophic cardiomyopathy. Last evaluated: 2025-12-13. Review status: criteria provided, single submitter. Criteria: Invitae Variant Classification Sherloc (09022015). Collection method: clinical testing. Allele origin: germline.
Comment: This sequence change replaces valine, which is neutral and non-polar, with methionine, which is neutral and non-polar, at codon 178 of the MYBPC3 protein (p.Val178Met). The frequency data for this variant in the population databases is considered unreliable, as metrics indicate poor data quality at this position in the gnomAD database. This missense change has been observed in individual(s) with clinical features of hypertrophic cardiomyopathy (HCM) as well as in individual(s) with left ventricular noncompaction cardiomyopathy and left ventricular noncompaction cardiomyopathy. However, in at least one individual pathogenic allele[s] were also identified in MYBPC3 and/or HCN4, which suggests that this c.532G>A variant may not be the primary cause of disease. (PMID: 20031602, 24111713, 27532257, 29121657, 30165862, 30471092, 34088380; internal data). ClinVar contains an entry for this variant (Variation ID: 164149). An algorithm developed to predict the effect of missense changes on protein structure and function (PolyPhen-2) suggests that this variant is likely to be disruptive. In summary, the available evidence is currently insufficient to determine the role of this variant in disease. Therefore, it has been classified as a Variant of Uncertain Significance.

Ambry Genetics
Classification: Uncertain significance for Cardiovascular phenotype. Last evaluated: 2025-09-08. Review status: criteria provided, single submitter. Criteria: Ambry Variant Classification Scheme 2023. Collection method: clinical testing. Allele origin: germline.
Comment: The p.V178M variant (also known as c.532G>A), located in coding exon 5 of the MYBPC3 gene, results from a G to A substitution at nucleotide position 532. The valine at codon 178 is replaced by methionine, an amino acid with highly similar properties. This variant was reported in individual(s) with features consistent with hypertrophic cardiomyopathy (HCM), left ventricular non-compaction (LVNC), and general cardiomyopathy cohorts; however, limited clinical information was provided and additional cardiac variants were detected in some cases (Ho CY et al. Circ Cardiovasc Genet, 2009 Aug;2:314-21; Berge KE et al. Clin. Genet., 2014 Oct;86:355-60; Walsh R et al. Genet. Med., 2017 02;19:192-203; Mademont-Soler I et al. PLoS One, 2017 Aug;12:e0181465; Viswanathan SK et al. PLoS ONE, 2017 Dec;12:e0187948; Lu C et al. J Transl Med, 2018 08;16:241; Richard P et al. Clin. Genet., 2019 Mar;95:356-367). This amino acid position is highly conserved in available vertebrate species. In addition, this alteration is predicted to be deleterious by in silico analysis. Since supporting evidence is limited at this time, the clinical significance of this alteration remains unclear.

All of Us Research Program, National Institutes of Health
Classification: Uncertain significance for Hypertrophic cardiomyopathy. Last evaluated: 2024-08-13. Review status: criteria provided, single submitter. Criteria: ACMG Guidelines, 2015. Collection method: clinical testing. Allele origin: germline. Inheritance: Autosomal dominant inheritance. Observed: 1 variant allele, 1 heterozygote.
Comment: This missense variant replaces valine with methionine at codon 178 of the MYBPC3 protein. Computational prediction tools indicate that this variant has a deleterious impact on protein structure and function. To our knowledge, functional studies have not been reported for this variant. This variant has been reported in several individuals affected with hypertrophic cardiomyopathy (PMID: 20031602, 24111713, 33495597, 36293497, 36788754). It has also been reported in an individual affected with an unspecified cardiomyopathy (PMID: 30165862) and in an individual affected with left ventricular noncompaction (PMID: 30471092). This variant has not been identified in the general population by the Genome Aggregation Database (gnomAD). The available evidence is insufficient to determine the role of this variant in disease conclusively. Therefore, this variant is classified as a Variant of Uncertain Significance.

This study involves interpretation of variants in research participants for the purpose of population health screening. Participant phenotype was not available at the time of variant classification. Additional details can be found in publication PMID: 35346344, PMCID: PMC8962531

Color Diagnostics, LLC DBA Color Health
Classification: Uncertain significance for Cardiomyopathy. Last evaluated: 2024-07-25. Review status: criteria provided, single submitter. Criteria: ACMG Guidelines, 2015. Collection method: clinical testing. Allele origin: germline.
Comment: This missense variant replaces valine with methionine at codon 178 of the MYBPC3 protein. Computational prediction tools indicate that this variant has a deleterious impact on protein structure and function. To our knowledge, functional studies have not been reported for this variant. This variant has been reported in several individuals affected with hypertrophic cardiomyopathy (PMID: 20031602, 24111713, 33495597, 36293497, 36788754). It has also been reported in an individual affected with an unspecified cardiomyopathy (PMID: 30165862) and in an individual affected with left ventricular noncompaction (PMID: 30471092). This variant has not been identified in the general population by the Genome Aggregation Database (gnomAD). The available evidence is insufficient to determine the role of this variant in disease conclusively. Therefore, this variant is classified as a Variant of Uncertain Significance.

Laboratory for Molecular Medicine, Mass General Brigham Personalized Medicine
Classification: Uncertain significance. Last evaluated: 2017-08-29. Review status: criteria provided, single submitter. Criteria: LMM Criteria. Collection method: clinical testing. Allele origin: germline. Observed: 8 variant alleles.
Comment: Variant classified as Uncertain Significance - Favor Pathogenic. The p.Val178Met variant in MYBPC3 has been reported in at least 3 individuals with HCM (Ho 2009 ; LMM data), one of which carried this variant in the homozygous state. This va riant also segregated with disease in 1 affected relative. This variant has been identified in 1/105830 European chromosomes by the Genome Aggregation Database (gnomAD). This variant has been reported in C linVar (Variant ID: 174794). Computational prediction tools and conservation ana lysis suggest that the p.Val178Met variant may impact the protein, though this information is not predictive enough to determine pathogenicity. In summary, whi le there is some suspicion for a pathogenic role, the clinical significance of t he p.Val178Met variant is uncertain.

Literature cited by the submitters: PubMed 20031602 (cited by 5 submitters); PubMed 24111713 (cited by 4 submitters); PubMed 27532257 (cited by Labcorp Genetics (formerly Invitae), Labcorp and Ambry Genetics); PubMed 29121657 (cited by Labcorp Genetics (formerly Invitae), Labcorp and Ambry Genetics); PubMed 30165862 (cited by 4 submitters); PubMed 30471092 (cited by 4 submitters); PubMed 34088380 (cited by Labcorp Genetics (formerly Invitae), Labcorp); PubMed 28771489 (cited by Ambry Genetics); PubMed 33495597 (cited by All of Us Research Program, National Institutes of Health and Color Diagnostics, LLC DBA Color Health); PubMed 36293497 (cited by All of Us Research Program, National Institutes of Health and Color Diagnostics, LLC DBA Color Health); PubMed 36788754 (cited by All of Us Research Program, National Institutes of Health and Color Diagnostics, LLC DBA Color Health).

NM_000256.3(MYBPC3):c.532G>A (p.Val178Met)

Gene: MYBPC3 (myosin binding protein C3; minus strand). Cytogenetic location: 11p11.2.
Variant type: single nucleotide variant.
Coding change: c.532G>A on transcript NM_000256.3 (MANE Select); coding-DNA position 532, G replaced by A.
Protein change: p.Val178Met; replaces valine 178 with methionine.
Molecular consequence: missense variant.
Genome position (GRCh38, 1-based): chr11:47,349,896, C>T on the plus strand (G>A on the coding strand, the complement: MYBPC3 is on the minus strand). VCF-style: chr11-47349896-C-T. GRCh37 (hg19) VCF-style: chr11-47371447-C-T.
Other names: short protein forms V178M.
Identifiers: ClinVar variation 164149 (VCV000164149.22), dbSNP rs727503218, ClinGen allele CA015426.
Genomic context (GRCh38, chr11:47,349,896, plus strand): 5'-CCACCCATTTGCCCTTGAACCACTTGACCACAGGCGGCTTCAGGAGGCTGGCGCCGGCCA[C>T]GCGGGCTGAGAAGGTGATGCTGCCACCTGCAAAGGCAGGGGCGACAGGCCCGGCTTGGGG-3'
Protein context (NP_000247.2, residues 168-188): VGGSITFSAR[Val178Met]AGASLLKPPV